The following is an entry in ClinVar:

NM_000070.3(CAPN3):c.1513_1519dup (p.Tyr507fs)

Gene: CAPN3 (calpain 3; plus strand). Cytogenetic location: 15q15.1.
Variant type: Duplication.
Coding change: c.1513_1519dup on transcript NM_000070.3 (MANE Select); coding-DNA positions 1513 to 1519, 7 bases duplicated (GCCATCT; older notation c.1513_1519dupGCCATCT).
Protein change: p.Tyr507fs; shifts the reading frame from tyrosine 507.
Molecular consequence: frameshift variant.
Genome position (GRCh38, 1-based): chr15:42,401,799-42,401,805, GCCATCT duplicated. VCF-style (leftmost placement, unchanged base first): chr15-42401798-C-CGCCATCT. GRCh37 (hg19) VCF-style: chr15-42693996-C-CGCCATCT.
Other names: c.1513_1519dup, p.Tyr507fs (NM_024344.2); c.1369_1375dup, p.Tyr459fs (NM_173087.2); c.1252_1258dup, p.Tyr420Cysfs (NM_212464.2); c.*1206_*1212dup (NM_212467.2); short protein forms Y507fs, Y459fs.
Identifiers: ClinVar variation 2847760 (VCV002847760.3), dbSNP rs2548276741, ClinGen allele CA2739279055.

ClinVar aggregate classification (germline): Pathogenic (1 of 4 stars; one submission).

Conditions:
Autosomal recessive limb-girdle muscular dystrophy type 2A (LGMDR1). Also called: Calpainopathy; LEYDEN-MOEBIUS MUSCULAR DYSTROPHY; MUSCULAR DYSTROPHY, PELVOFEMORAL; Limb-girdle muscular dystrophy, type 2A; Muscular dystrophy, limb-girdle, type 2A, Amish. Identifiers: Orphanet 267, MedGen C1869123, MONDO:0009675, OMIM 253600. Disease mechanism: loss of function.

Submission:

Labcorp Genetics (formerly Invitae), Labcorp
Classification: Pathogenic for Autosomal recessive limb-girdle muscular dystrophy type 2A. Last evaluated: 2023-11-06. Review status: criteria provided, single submitter. Criteria: Invitae Variant Classification Sherloc (09022015). Collection method: clinical testing. Allele origin: germline.
Comment: This sequence change creates a premature translational stop signal (p.Tyr507Cysfs*72) in the CAPN3 gene. It is expected to result in an absent or disrupted protein product. Loss-of-function variants in CAPN3 are known to be pathogenic (PMID: 10330340, 15689361). This variant is not present in population databases (gnomAD no frequency). This variant has not been reported in the literature in individuals affected with CAPN3-related conditions. For these reasons, this variant has been classified as Pathogenic.

Literature cited by the submitters: PubMed 10330340; PubMed 15689361.